The following is an entry in ClinVar:

ClinVar aggregate classification (germline): Uncertain significance (1 of 4 stars; one submission).

Conditions:
Muscular dystrophy-dystroglycanopathy (congenital with impaired intellectual development), type B, 14. Also called: Congenital muscular dystrophy-dystroglycanopathy with mental retardation, type B14; Muscular dystrophy-dystroglycanopathy (congenital with intellectual disability), type B14; MUSCULAR DYSTROPHY, CONGENITAL, GMPPB-RELATED. Identifiers: MedGen C3809221, MONDO:0014141, OMIM 615351.
Autosomal recessive limb-girdle muscular dystrophy type 2T. Also called: Limb-girdle muscular dystrophy-dystroglycanopathy, type C14; MUSCULAR DYSTROPHY-DYSTROGLYCANOPATHY, LIMB-GIRDLE, GMPPB-RELATED; MUSCULAR DYSTROPHY, LIMB-GIRDLE, TYPE 2T; Muscular dystrophy-dystroglycanopathy (limb-girdle), type c, 14. Identifiers: Orphanet 363623, MedGen C4518000, MONDO:0014142, OMIM 615352.
Muscular dystrophy-dystroglycanopathy (congenital with brain and eye anomalies), type A14. Also called: Congenital muscular dystrophy-dystroglycanopathy with brain and eye anomalies, type A14; WALKER-WARBURG SYNDROME OR MUSCLE-EYE-BRAIN DISEASE, GMPPB-RELATED; Muscular dystrophy-dystroglycanopathy (congenital with brain and eye anomalies), type a, 14; Congenital Muscular Dystrophy-Dystroglycanopathy with Brain and Eye Anomalies Type A 14. Identifiers: Orphanet 588, MedGen C3809216, MONDO:0014140, OMIM 615350.

gnomAD v4.1: 1 of 1,614,102 alleles (0.000062%); highest among the groups gnomAD compares: South Asian, 0.0011%; no homozygotes.

Submission:

Labcorp Genetics (formerly Invitae), Labcorp
Classification: Uncertain significance for Autosomal recessive limb-girdle muscular dystrophy type 2T; Muscular dystrophy-dystroglycanopathy (congenital with brain and eye anomalies), type A14; Muscular dystrophy-dystroglycanopathy (congenital with impaired intellectual development), type B, 14. Last evaluated: 2021-02-14. Review status: criteria provided, single submitter. Criteria: Invitae Variant Classification Sherloc (09022015). Collection method: clinical testing. Allele origin: germline.
Comment: In summary, the available evidence is currently insufficient to determine the role of this variant in disease. Therefore, it has been classified as a Variant of Uncertain Significance. Advanced modeling of protein sequence and biophysical properties (such as structural, functional, and spatial information, amino acid conservation, physicochemical variation, residue mobility, and thermodynamic stability) performed at Invitae indicates that this missense variant is not expected to disrupt GMPPB protein function. This variant has not been reported in the literature in individuals with GMPPB-related conditions. This variant is not present in population databases (ExAC no frequency). This sequence change replaces proline with alanine at codon 83 of the GMPPB protein (p.Pro83Ala). The proline residue is highly conserved and there is a small physicochemical difference between proline and alanine.

NM_021971.4(GMPPB):c.247C>G (p.Pro83Ala)

Genes: GMPPB (GDP-mannose pyrophosphorylase B; minus strand), LOC129936764 (ATAC-STARR-seq lymphoblastoid active region 19874; plus strand). Cytogenetic location: 3p21.31.
Variant type: single nucleotide variant.
Coding change: c.247C>G on transcript NM_021971.4 (MANE Select); coding-DNA position 247, C replaced by G.
Protein change: p.Pro83Ala; replaces proline 83 with alanine.
Molecular consequence: missense variant.
Genome position (GRCh38, 1-based): chr3:49,723,266, G>C on the plus strand (C>G on the coding strand, the complement: GMPPB is on the minus strand). VCF-style: chr3-49723266-G-C. GRCh37 (hg19) VCF-style: chr3-49760699-G-C.
Other names: c.247C>G, p.Pro83Ala (NM_013334.4); short protein forms P83A.
Identifiers: ClinVar variation 1357551 (VCV001357551.8), dbSNP rs2080451480, ClinGen allele CA352830072.
Genomic context (GRCh38, chr3:49,723,266, plus strand): 5'-TTCCTGGCCTTAAACCCTCCCCCAAGGGACCTTTCTGCCTCTACTGACCTGTCCCCAAAG[G>C]CTCCTCTTCATGGGACATGGAGATTCGGATTCCCAGCTGGAAGGAAGAGGCCCCCCCAGT-3'
Protein context (NP_068806.2, residues 73-93): IRISMSHEEE[Pro83Ala]LGTAGPLALA